The following is an entry in ClinVar:

NM_000257.4(MYH7):c.4522G>T (p.Glu1508Ter)

Genes: MHRT (myosin heavy chain associated RNA transcript; plus strand), MYH7 (myosin heavy chain 7; minus strand). Cytogenetic location: 14q11.2.
Variant type: single nucleotide variant.
Coding change: c.4522G>T on transcript NM_000257.4 (MANE Select); coding-DNA position 4522, G replaced by T.
Protein change: p.Glu1508Ter; replaces glutamic acid 1508 with a stop codon.
Molecular consequence: nonsense. On other transcripts: non-coding transcript variant (1).
Genome position (GRCh38, 1-based): chr14:23,416,990, C>A on the plus strand (G>T on the coding strand, the complement: MYH7 is on the minus strand). VCF-style: chr14-23416990-C-A. GRCh37 (hg19) VCF-style: chr14-23886199-C-A.
Other names: c.4522G>T, p.Glu1508Ter (NM_001407004.1); short protein forms E1508*.
Identifiers: ClinVar variation 3643640 (VCV003643640.2).
Genomic context (GRCh38, chr14:23,416,990, plus strand): 5'-TCTCCAGCTCATGGATAGTCTTTCCGCTGGAACCCAACTGCTCAGTCAAGTCGGAGATCT[C>A]CTCTGTGTGGGGAACACGGTAACTCGGTTGAGGGCTGCTGAGGTCCAGTGGAGTTGGAGG-3'

ClinVar aggregate classification (germline): Uncertain significance (1 of 4 stars; one submission).

Conditions:
Hypertrophic cardiomyopathy. Also called: HYPERTROPHIC MYOCARDIOPATHY. Identifiers: Orphanet 217569, MedGen C0007194, MeSH D002312, MONDO:0005045, HP:0001639.

Submission:

Labcorp Genetics (formerly Invitae), Labcorp
Classification: Uncertain significance for Hypertrophic cardiomyopathy. Last evaluated: 2024-02-28. Review status: criteria provided, single submitter. Criteria: Invitae Variant Classification Sherloc (09022015). Collection method: clinical testing. Allele origin: germline.
Comment: This sequence change creates a premature translational stop signal (p.Glu1508*) in the MYH7 gene. It is expected to result in an absent or disrupted protein product. However, the current clinical and genetic evidence is not sufficient to establish whether loss-of-function variants in MYH7 cause disease. This variant is not present in population databases (gnomAD no frequency). This variant has not been reported in the literature in individuals affected with MYH7-related conditions. In summary, the available evidence is currently insufficient to determine the role of this variant in disease. Therefore, it has been classified as a Variant of Uncertain Significance.